The following is an entry in ClinVar:

NM_021625.5(TRPV4):c.877G>A (p.Ala293Thr)

Gene: TRPV4 (transient receptor potential cation channel subfamily V member 4; minus strand). Cytogenetic location: 12q24.11.
Variant type: single nucleotide variant.
Coding change: c.877G>A on transcript NM_021625.5 (MANE Select); coding-DNA position 877, G replaced by A.
Protein change: p.Ala293Thr; replaces alanine 293 with threonine.
Molecular consequence: missense variant.
Genome position (GRCh38, 1-based): chr12:109,798,889, C>T on the plus strand (G>A on the coding strand, the complement: TRPV4 is on the minus strand). VCF-style: chr12-109798889-C-T. GRCh37 (hg19) VCF-style: chr12-110236694-C-T.
Other names: c.736G>A, p.Ala246Thr (NM_001177428.2, NM_001177433.2); c.775G>A, p.Ala259Thr (NM_001177431.2); c.877G>A, p.Ala293Thr (NM_147204.3); short protein forms A246T, A293T, A259T.
Identifiers: ClinVar variation 639405 (VCV000639405.8), dbSNP rs1054889070, ClinGen allele CA243467766.

ClinVar aggregate classification (germline): Uncertain significance (1 of 4 stars; one submission).

Conditions:
Charcot-Marie-Tooth disease axonal type 2C (HMSN2C). Also called: Charcot-Marie-Tooth Disease Type 2, TRPV4-Related (CMT2C); CHARCOT-MARIE-TOOTH DISEASE, AXONAL, AUTOSOMAL DOMINANT, TYPE 2C; Charcot-Marie-Tooth Neuropathy Type 2C. Identifiers: Orphanet 99937, MedGen C1853710, MONDO:0011633, OMIM 606071.

Allele frequency attached by ClinVar (database versions not stated): gnomAD exomes below 0.00001 and 0.00001; gnomAD 0.00001; TOPMed 0.00004.

Submission:

Labcorp Genetics (formerly Invitae), Labcorp
Classification: Uncertain significance for Charcot-Marie-Tooth disease axonal type 2C. Last evaluated: 2024-10-18. Review status: criteria provided, single submitter. Criteria: Invitae Variant Classification Sherloc (09022015). Collection method: clinical testing. Allele origin: germline.
Comment: This sequence change replaces alanine, which is neutral and non-polar, with threonine, which is neutral and polar, at codon 293 of the TRPV4 protein (p.Ala293Thr). This variant is present in population databases (no rsID available, gnomAD 0.01%). This missense change has been observed in individual(s) with clinical features of TRPV4-related conditions (internal data). ClinVar contains an entry for this variant (Variation ID: 639405). Invitae Evidence Modeling of protein sequence and biophysical properties (such as structural, functional, and spatial information, amino acid conservation, physicochemical variation, residue mobility, and thermodynamic stability) indicates that this missense variant is not expected to disrupt TRPV4 protein function with a negative predictive value of 95%. In summary, the available evidence is currently insufficient to determine the role of this variant in disease. Therefore, it has been classified as a Variant of Uncertain Significance.